The following is an entry in ClinVar:

ClinVar aggregate classification (germline): Uncertain significance. Review status: criteria provided, multiple submitters, no conflicts (2 of 4 stars). 4 submissions from 4 submitters: Uncertain significance (4). Last evaluated 2025-12-07.

Conditions:
Retinitis pigmentosa 59 (RP59). Identifiers: Orphanet 791, MedGen C3151227, MONDO:0013468, OMIM 613861.
DHDDS-related disorder. Also called: DHDDS-related condition.
Inborn genetic diseases. Identifiers: MedGen C0950123, MeSH D030342.

Allele frequency attached by ClinVar (database versions not stated): gnomAD 0.00003; gnomAD exomes 0.00003; ExAC 0.00004; TOPMed 0.00004.
gnomAD v4.1: 44 of 1,613,840 alleles (0.0027%); highest among the groups gnomAD compares: Admixed American, 0.0083%; no homozygotes.

Submissions (4):

PreventionGenetics, part of Exact Sciences
Classification: Uncertain significance for DHDDS-related condition. Last evaluated: 2025-12-07. Review status: criteria provided, single submitter. Criteria: ACMG Guidelines, 2015. Collection method: clinical testing. Allele origin: germline.
Comment: The DHDDS c.356G>A variant is predicted to result in the amino acid substitution p.Arg119Gln. To our knowledge, this variant has not been reported in the literature. This variant is reported in 0.0088% of alleles in individuals of European (Non-Finnish) descent in gnomAD. At this time, the clinical significance of this variant is uncertain due to the absence of conclusive functional and genetic evidence.

Ambry Genetics
Classification: Uncertain significance for Inborn genetic diseases. Last evaluated: 2025-02-20. Review status: criteria provided, single submitter. Criteria: Ambry Variant Classification Scheme 2023. Collection method: clinical testing. Allele origin: germline.

Labcorp Genetics (formerly Invitae), Labcorp
Classification: Uncertain significance for Retinitis pigmentosa 59. Last evaluated: 2024-11-18. Review status: criteria provided, single submitter. Criteria: Invitae Variant Classification Sherloc (09022015). Collection method: clinical testing. Allele origin: germline.
Comment: This sequence change replaces arginine, which is basic and polar, with glutamine, which is neutral and polar, at codon 119 of the DHDDS protein (p.Arg119Gln). This variant is present in population databases (rs748347461, gnomAD 0.008%). This variant has not been reported in the literature in individuals affected with DHDDS-related conditions. ClinVar contains an entry for this variant (Variation ID: 2145154). Invitae Evidence Modeling of protein sequence and biophysical properties (such as structural, functional, and spatial information, amino acid conservation, physicochemical variation, residue mobility, and thermodynamic stability) indicates that this missense variant is not expected to disrupt DHDDS protein function with a negative predictive value of 80%. In summary, the available evidence is currently insufficient to determine the role of this variant in disease. Therefore, it has been classified as a Variant of Uncertain Significance.

Blueprint Genetics
Classification: Uncertain significance. Last evaluated: 2024-08-13. Review status: criteria provided, single submitter. Criteria: ACMG Guidelines, 2015. Collection method: clinical testing. Allele origin: germline.

NM_205861.3(DHDDS):c.356G>A (p.Arg119Gln)

Gene: DHDDS (dehydrodolichyl diphosphate synthase subunit; plus strand). Cytogenetic location: 1p36.11.
Variant type: single nucleotide variant.
Coding change: c.356G>A on transcript NM_205861.3 (MANE Select); coding-DNA position 356, G replaced by A.
Protein change: p.Arg119Gln; replaces arginine 119 with glutamine.
Molecular consequence: missense variant. On other transcripts: intron variant (1).
Genome position (GRCh38, 1-based): chr1:26,446,348, G>A. VCF-style: chr1-26446348-G-A. GRCh37 (hg19) VCF-style: chr1-26772839-G-A.
Other names: c.356G>A, p.Arg119Gln (NM_001243564.2, NM_024887.4); c.77G>A, p.Arg26Gln (NM_001319959.2); c.324-1211G>A (NM_001243565.2); c.356G>A (NM_024887.3); short protein forms R26Q, R119Q.
Identifiers: ClinVar variation 2145154 (VCV002145154.5), dbSNP rs748347461, ClinGen allele CA705318.
Genomic context (GRCh38, chr1:26,446,348, plus strand): 5'-CCCAATGCTGCCTCTTTTCCCTGATCAGGGAGAAACTGCAGAAGCATGGGGTGTGTATCC[G>A]GGTCCTGGGCGATCTGCACTTGTTGCCCTTGGATCTCCAGGAGCTGATTGCACAAGCTGT-3'
Protein context (NP_995583.1, residues 109-129): EKLQKHGVCI[Arg119Gln]VLGDLHLLPL